The following is an entry in ClinVar:

NM_015346.4(ZFYVE26):c.5857C>T (p.Gln1953Ter)

Gene: ZFYVE26 (zinc finger FYVE-type containing 26; minus strand). Cytogenetic location: 14q24.1.
Variant type: single nucleotide variant.
Coding change: c.5857C>T on transcript NM_015346.4 (MANE Select); coding-DNA position 5857, C replaced by T.
Protein change: p.Gln1953Ter; replaces glutamine 1953 with a stop codon.
Molecular consequence: nonsense.
Genome position (GRCh38, 1-based): chr14:67,766,381, G>A on the plus strand (C>T on the coding strand, the complement: ZFYVE26 is on the minus strand). VCF-style: chr14-67766381-G-A. GRCh37 (hg19) VCF-style: chr14-68233098-G-A.
Other names: short protein forms Q1953*.
Identifiers: ClinVar variation 1072208 (VCV001072208.7), dbSNP rs2140199533, ClinGen allele CA390165894.
Genomic context (GRCh38, chr14:67,766,381, plus strand): 5'-CGGCATCCACCTCTGGGTTGGTGAGGCCCTTGGAGAGCCTGCAGCAGTGCTCAATCAGCT[G>A]GTGACCACAGGCAATGCTGTCCCGGTGCAGATTCAGGATGGCAATGCACAAGGAGGCGCT-3'

ClinVar aggregate classification (germline): Pathogenic (1 of 4 stars; one submission).

Conditions:
Spastic paraplegia. Identifiers: MedGen C0037772, HP:0001258.

Submission:

Labcorp Genetics (formerly Invitae), Labcorp
Classification: Pathogenic for Spastic paraplegia. Last evaluated: 2023-11-24. Review status: criteria provided, single submitter. Criteria: Invitae Variant Classification Sherloc (09022015). Collection method: clinical testing. Allele origin: germline.
Comment: This sequence change creates a premature translational stop signal (p.Gln1953*) in the ZFYVE26 gene. It is expected to result in an absent or disrupted protein product. Loss-of-function variants in ZFYVE26 are known to be pathogenic (PMID: 18394578, 19805727). This variant is not present in population databases (gnomAD no frequency). This variant has not been reported in the literature in individuals affected with ZFYVE26-related conditions. ClinVar contains an entry for this variant (Variation ID: 1072208). For these reasons, this variant has been classified as Pathogenic.

Literature cited by the submitters: PubMed 18394578; PubMed 19805727.